The following is an entry in ClinVar:

NM_032043.3(BRIP1):c.1140+10T>A

Gene: BRIP1 (BRCA1 interacting DNA helicase 1; minus strand). Cytogenetic location: 17q23.2.
Variant type: single nucleotide variant.
Coding change: c.1140+10T>A on transcript NM_032043.3 (MANE Select); 10 bases into the intron after coding-DNA position 1140, T replaced by A.
Molecular consequence: intron variant.
Genome position (GRCh38, 1-based): chr17:61,801,243, A>T on the plus strand (T>A on the coding strand, the complement: BRIP1 is on the minus strand). VCF-style: chr17-61801243-A-T. GRCh37 (hg19) VCF-style: chr17-59878604-A-T.
Identifiers: ClinVar variation 3378534 (VCV003378534.1).

ClinVar aggregate classification (germline): Likely benign (1 of 4 stars; one submission).

Conditions:
Familial cancer of breast. Also called: hereditary breast carcinoma; Hereditary breast cancer; BREAST CANCER, FAMILIAL. Identifiers: Orphanet 227535, MedGen C0346153, MONDO:0016419, OMIM 114480. Disease mechanism: loss of function.

Submission:

Myriad Genetics, Inc.
Classification: Likely benign for Familial cancer of breast. Last evaluated: 2024-08-23. Review status: criteria provided, single submitter. Criteria: Myriad Autosomal Dominant, Autosomal Recessive and X-Linked Classification Criteria (2023). Collection method: clinical testing. Allele origin: unknown.
Comment: This variant is considered likely benign. This variant is intronic and is not expected to impact mRNA splicing.